The following is an entry in ClinVar:

ClinVar aggregate classification (germline): Uncertain significance (1 of 4 stars; one submission).

Conditions:
Camptomelic dysplasia (CMPD). Also called: CMPD1/SRA1; Campomelic Dysplasia. Identifiers: Orphanet 140, MedGen C1861922, MONDO:0007251, OMIM 114290.

Allele frequency attached by ClinVar (database versions not stated): gnomAD 0.00001.

Submission:

Labcorp Genetics (formerly Invitae), Labcorp
Classification: Uncertain significance for Camptomelic dysplasia. Last evaluated: 2023-12-05. Review status: criteria provided, single submitter. Criteria: Invitae Variant Classification Sherloc (09022015). Collection method: clinical testing. Allele origin: germline.
Comment: This sequence change replaces glutamic acid, which is acidic and polar, with lysine, which is basic and polar, at codon 226 of the SOX9 protein (p.Glu226Lys). This variant is present in population databases (no rsID available, gnomAD 0.01%). This variant has not been reported in the literature in individuals affected with SOX9-related conditions. Advanced modeling of protein sequence and biophysical properties (such as structural, functional, and spatial information, amino acid conservation, physicochemical variation, residue mobility, and thermodynamic stability) performed at Invitae indicates that this missense variant is expected to disrupt SOX9 protein function with a positive predictive value of 80%. In summary, the available evidence is currently insufficient to determine the role of this variant in disease. Therefore, it has been classified as a Variant of Uncertain Significance.

NM_000346.4(SOX9):c.676G>A (p.Glu226Lys)

Gene: SOX9 (SRY-box transcription factor 9; plus strand). Cytogenetic location: 17q24.3.
Variant type: single nucleotide variant.
Coding change: c.676G>A on transcript NM_000346.4 (MANE Select); coding-DNA position 676, G replaced by A.
Protein change: p.Glu226Lys; replaces glutamic acid 226 with lysine.
Molecular consequence: missense variant.
Genome position (GRCh38, 1-based): chr17:72,122,963, G>A. VCF-style: chr17-72122963-G-A. GRCh37 (hg19) VCF-style: chr17-70119104-G-A.
Other names: short protein forms E226K.
Identifiers: ClinVar variation 2881239 (VCV002881239.3), dbSNP rs1197125838, ClinGen allele CA400866799.